The following is an entry in ClinVar:

ClinVar aggregate classification (germline): Benign/Likely benign. Review status: criteria provided, multiple submitters, no conflicts (2 of 4 stars). 2 submissions from 2 submitters: Benign (1); Likely benign (1). Last evaluated 2024-11-26.

Conditions:
Familial cancer of breast. Also called: BREAST CANCER, FAMILIAL; hereditary breast carcinoma; Hereditary breast cancer. Identifiers: Orphanet 227535, MedGen C0346153, MONDO:0016419, OMIM 114480. Disease mechanism: loss of function.

Allele frequency attached by ClinVar (database versions not stated): gnomAD exomes below 0.00001.
gnomAD v4.1: 1 of 1,612,490 alleles (0.000062%); highest among the groups gnomAD compares: South Asian, 0.0011%; no homozygotes.

Submissions (2):

Labcorp Genetics (formerly Invitae), Labcorp
Classification: Likely benign for Familial cancer of breast. Last evaluated: 2024-11-26. Review status: criteria provided, single submitter. Criteria: Invitae Variant Classification Sherloc (09022015). Collection method: clinical testing. Allele origin: germline.

Myriad Genetics, Inc.
Classification: Benign for Familial cancer of breast. Last evaluated: 2024-07-26. Review status: criteria provided, single submitter. Criteria: Myriad Autosomal Dominant, Autosomal Recessive and X-Linked Classification Criteria (2023). Collection method: clinical testing. Allele origin: unknown.
Comment: This variant is considered benign. This variant is a silent/synonymous amino acid change and it is not expected to impact splicing.

NM_000465.4(BARD1):c.1659A>G (p.Ser553=)

Gene: BARD1 (BRCA1 associated RING domain 1; minus strand). Cytogenetic location: 2q35.
Variant type: single nucleotide variant.
Coding change: c.1659A>G on transcript NM_000465.4 (MANE Select); coding-DNA position 1659, A replaced by G.
Protein change: p.Ser553=; no amino-acid change (serine 553 retained).
Molecular consequence: synonymous variant. On other transcripts: non-coding transcript variant (3), intron variant (1).
Genome position (GRCh38, 1-based): chr2:214,752,465, T>C on the plus strand (A>G on the coding strand, the complement: BARD1 is on the minus strand). VCF-style: chr2-214752465-T-C. GRCh37 (hg19) VCF-style: chr2-215617189-T-C.
Other names: c.1602A>G, p.Ser534= (NM_001282543.2); c.306A>G, p.Ser102= (NM_001282545.2); c.249A>G, p.Ser83= (NM_001282548.2); c.365-21957A>G (NM_001282549.2).
Identifiers: ClinVar variation 2811892 (VCV002811892.4), dbSNP rs1262122385, ClinGen allele CA431147687.